The following is an entry in ClinVar:

NM_003036.4(SKI):c.901G>C (p.Gly301Arg)

Gene: SKI (SKI proto-oncogene; plus strand). Cytogenetic location: 1p36.33.
Variant type: single nucleotide variant.
Coding change: c.901G>C on transcript NM_003036.4 (MANE Select); coding-DNA position 901, G replaced by C.
Protein change: p.Gly301Arg; replaces glycine 301 with arginine.
Molecular consequence: missense variant.
Genome position (GRCh38, 1-based): chr1:2,229,667, G>C. VCF-style: chr1-2229667-G-C. GRCh37 (hg19) VCF-style: chr1-2161106-G-C.
Other names: c.901G>C (NM_003036.3); short protein forms G301R.
Identifiers: ClinVar variation 2726771 (VCV002726771.4), dbSNP rs1445231657, ClinGen allele CA337956343.

ClinVar aggregate classification (germline): Uncertain significance. Review status: criteria provided, multiple submitters, no conflicts (2 of 4 stars). 2 submissions from 2 submitters: Uncertain significance (2). Last evaluated 2025-10-18.

Conditions:
Shprintzen-Goldberg syndrome (SGS). Also called: Marfanoid disorder with craniosynostosis type 1; Marfanoid craniosynostosis syndrome; Shprintzen-Goldberg marfanoid syndrome; SHPRINTZEN-GOLDBERG CRANIOSYNOSTOSIS SYNDROME; CRANIOSYNOSTOSIS WITH ARACHNODACTYLY AND ABDOMINAL HERNIAS. Identifiers: Orphanet 2462, MedGen C1321551, MONDO:0008426, OMIM 182212.
Familial thoracic aortic aneurysm and aortic dissection (TAAD). Also called: Thoracic aortic aneurysms and dissections. Identifiers: Orphanet 91387, MedGen C4707243, MONDO:0019625.

gnomAD v4.1: 1 of 1,609,978 alleles (0.000062%); highest among the groups gnomAD compares: Non-Finnish European, 0.000085%; no homozygotes.

Submissions (2):

Ambry Genetics
Classification: Uncertain significance for Familial thoracic aortic aneurysm and aortic dissection. Last evaluated: 2025-10-18. Review status: criteria provided, single submitter. Criteria: Ambry Variant Classification Scheme 2023. Collection method: clinical testing. Allele origin: germline.

Labcorp Genetics (formerly Invitae), Labcorp
Classification: Uncertain significance for Shprintzen-Goldberg syndrome. Last evaluated: 2023-12-20. Review status: criteria provided, single submitter. Criteria: Invitae Variant Classification Sherloc (09022015). Collection method: clinical testing. Allele origin: germline.
Comment: This sequence change replaces glycine, which is neutral and non-polar, with arginine, which is basic and polar, at codon 301 of the SKI protein (p.Gly301Arg). The frequency data for this variant in the population databases is considered unreliable, as metrics indicate poor data quality at this position in the gnomAD database. This variant has not been reported in the literature in individuals affected with SKI-related conditions. Advanced modeling of protein sequence and biophysical properties (such as structural, functional, and spatial information, amino acid conservation, physicochemical variation, residue mobility, and thermodynamic stability) has been performed at Invitae for this missense variant, however the output from this modeling did not meet the statistical confidence thresholds required to predict the impact of this variant on SKI protein function. In summary, the available evidence is currently insufficient to determine the role of this variant in disease. Therefore, it has been classified as a Variant of Uncertain Significance.